The following is an entry in ClinVar:

NM_000138.5(FBN1):c.361A>G (p.Ile121Val)

Gene: FBN1 (fibrillin 1; minus strand). Cytogenetic location: 15q21.1.
Variant type: single nucleotide variant.
Coding change: c.361A>G on transcript NM_000138.5 (MANE Select); coding-DNA position 361, A replaced by G.
Protein change: p.Ile121Val; replaces isoleucine 121 with valine.
Molecular consequence: missense variant.
Genome position (GRCh38, 1-based): chr15:48,600,220, T>C on the plus strand (A>G on the coding strand, the complement: FBN1 is on the minus strand). VCF-style: chr15-48600220-T-C. GRCh37 (hg19) VCF-style: chr15-48892417-T-C.
Other names: c.361A>G, p.Ile121Val (NM_001406716.1, NM_001406717.1); short protein forms I121V.
Identifiers: ClinVar variation 3074209 (VCV003074209.1), dbSNP rs2505761160, ClinGen allele CA392446611.

ClinVar aggregate classification (germline): Uncertain significance (1 of 4 stars; one submission).

Conditions:
Marfan syndrome (MFS). Also called: MARFAN SYNDROME, TYPE I; Marfan syndrome type 1; Marfan's syndrome; Marfan syndrome, classic; FBN1-Related Marfan Syndrome. Identifiers: Orphanet 284963, Orphanet 558, MedGen C0024796, MONDO:0007947, OMIM 154700.

Submission:

All of Us Research Program, National Institutes of Health
Classification: Uncertain significance for Marfan syndrome. Last evaluated: 2023-11-02. Review status: criteria provided, single submitter. Criteria: ACMG Guidelines, 2015. Collection method: clinical testing. Allele origin: germline. Inheritance: Autosomal dominant inheritance. Observed: 1 variant allele, 1 heterozygote.
Comment: This missense variant replaces isoleucine with valine at codon 121 of the FBN1 protein. Computational prediction suggests that this variant may not impact protein structure and function (internally defined REVEL score threshold <= 0.5, PMID: 27666373). To our knowledge, functional studies have not been reported for this variant. This variant has not been reported in individuals affected with FBN1-related disorders in the literature. This variant has not been identified in the general population by the Genome Aggregation Database (gnomAD). The available evidence is insufficient to determine the role of this variant in disease conclusively. Therefore, this variant is classified as a Variant of Uncertain Significance.

This study involves interpretation of variants in research participants for the purpose of population health screening. Participant phenotype was not available at the time of variant classification. Additional details can be found in publication PMID: 35346344, PMCID: PMC8962531